The following is an entry in ClinVar:

ClinVar aggregate classification (germline): Uncertain significance (1 of 4 stars; one submission).

gnomAD v4.1: 10 of 1,613,914 alleles (0.00062%); highest among the groups gnomAD compares: Non-Finnish European, 0.00085%; no homozygotes.

Submission:

Labcorp Genetics (formerly Invitae), Labcorp
Classification: Uncertain significance. Last evaluated: 2022-07-25. Review status: criteria provided, single submitter. Criteria: Invitae Variant Classification Sherloc (09022015). Collection method: clinical testing. Allele origin: germline.
Comment: This sequence change replaces tyrosine, which is neutral and polar, with cysteine, which is neutral and slightly polar, at codon 1086 of the DMXL2 protein (p.Tyr1086Cys). This variant is present in population databases (rs374283589, gnomAD 0.0009%). This variant has not been reported in the literature in individuals affected with DMXL2-related conditions. ClinVar contains an entry for this variant (Variation ID: 1360345). Algorithms developed to predict the effect of missense changes on protein structure and function are either unavailable or do not agree on the potential impact of this missense change (SIFT: "Deleterious"; PolyPhen-2: "Probably Damaging"; Align-GVGD: "Class C15"). Algorithms developed to predict the effect of sequence changes on RNA splicing suggest that this variant may create or strengthen a splice site. In summary, the available evidence is currently insufficient to determine the role of this variant in disease. Therefore, it has been classified as a Variant of Uncertain Significance.

NM_001378457.1(DMXL2):c.3257A>G (p.Tyr1086Cys)

Gene: DMXL2 (Dmx like 2; minus strand). Cytogenetic location: 15q21.2.
Variant type: single nucleotide variant.
Coding change: c.3257A>G on transcript NM_001378457.1 (MANE Select); coding-DNA position 3257, A replaced by G.
Protein change: p.Tyr1086Cys; replaces tyrosine 1086 with cysteine.
Molecular consequence: missense variant. On other transcripts: non-coding transcript variant (2), intron variant (2).
Genome position (GRCh38, 1-based): chr15:51,499,967, T>C on the plus strand (A>G on the coding strand, the complement: DMXL2 is on the minus strand). VCF-style: chr15-51499967-T-C. GRCh37 (hg19) VCF-style: chr15-51792164-T-C.
Other names: c.3257A>G, p.Tyr1086Cys (NM_001174116.3, NM_001378458.1, NM_001378459.1 and 4 more transcripts); c.3017A>G, p.Tyr1006Cys (NM_001378464.1); c.2764+7167A>G (NM_001378460.1); c.2765-4833A>G (NM_001174117.3); short protein forms Y1086C, Y1006C.
Identifiers: ClinVar variation 1360345 (VCV001360345.3), dbSNP rs374283589, ClinGen allele CA7562190.
Genomic context (GRCh38, chr15:51,499,967, plus strand): 5'-ATACAAACATGCATGGAAAATTCTTTAGAAACAAAACCATTATGGTGGATAGGCTGCTTA[T>C]AAGCCACTGCAAGGCGACCTGTGTATGAACAGCTAACAGCAACTGGTCTTCCCACAATGC-3'
Protein context (NP_001365386.1, residues 1076-1096): CSYTGRLAVA[Tyr1086Cys]KQPIHHNGFV